The following is an entry in ClinVar:

NM_032122.5(DTNBP1):c.1006C>T (p.His336Tyr)

Gene: DTNBP1 (dystrobrevin binding protein 1; minus strand). Cytogenetic location: 6p22.3.
Variant type: single nucleotide variant.
Coding change: c.1006C>T on transcript NM_032122.5 (MANE Select); coding-DNA position 1006, C replaced by T.
Protein change: p.His336Tyr; replaces histidine 336 with tyrosine.
Molecular consequence: missense variant.
Genome position (GRCh38, 1-based): chr6:15,523,025, G>A on the plus strand (C>T on the coding strand, the complement: DTNBP1 is on the minus strand). VCF-style: chr6-15523025-G-A. GRCh37 (hg19) VCF-style: chr6-15523256-G-A.
Other names: c.763C>T, p.His255Tyr (NM_001271667.2, NM_183041.1); c.955C>T, p.His319Tyr (NM_001271668.2); c.901C>T, p.His301Tyr (NM_001271669.2); short protein forms H336Y, H255Y, H301Y, H319Y.
Identifiers: ClinVar variation 2964728 (VCV002964728.3), dbSNP rs747223139, ClinGen allele CA3643658.

ClinVar aggregate classification (germline): Uncertain significance (1 of 4 stars; one submission).

Allele frequency attached by ClinVar (database versions not stated): gnomAD exomes below 0.00001; gnomAD 0.00001; ExAC 0.00002.

Submission:

Labcorp Genetics (formerly Invitae), Labcorp
Classification: Uncertain significance. Last evaluated: 2023-12-30. Review status: criteria provided, single submitter. Criteria: Invitae Variant Classification Sherloc (09022015). Collection method: clinical testing. Allele origin: germline.
Comment: This sequence change replaces histidine, which is basic and polar, with tyrosine, which is neutral and polar, at codon 336 of the DTNBP1 protein (p.His336Tyr). This variant is present in population databases (rs747223139, gnomAD 0.01%). This variant has not been reported in the literature in individuals affected with DTNBP1-related conditions. Advanced modeling of protein sequence and biophysical properties (such as structural, functional, and spatial information, amino acid conservation, physicochemical variation, residue mobility, and thermodynamic stability) performed at Invitae indicates that this missense variant is not expected to disrupt DTNBP1 protein function with a negative predictive value of 80%. In summary, the available evidence is currently insufficient to determine the role of this variant in disease. Therefore, it has been classified as a Variant of Uncertain Significance.